The following is an entry in ClinVar:

ClinVar aggregate classification (germline): Likely benign (1 of 4 stars; one submission).

Allele frequency attached by ClinVar (database versions not stated): gnomAD exomes 0.00006 and 0.00002; gnomAD 0.00001 and 0.00002; ExAC 0.00004; TOPMed 0.00004.

Submission:

GeneDx
Classification: Likely benign. Last evaluated: 2017-01-26. Review status: criteria provided, single submitter. Criteria: GeneDx Variant Classification (06012015). Collection method: clinical testing. Allele origin: germline. Affected: yes.
Comment: This variant is considered likely benign or benign based on one or more of the following criteria: it is a conservative change, it occurs at a poorly conserved position in the protein, it is predicted to be benign by multiple in silico algorithms, and/or has population frequency not consistent with disease.

NM_012233.3(RAB3GAP1):c.2491-10del

Gene: RAB3GAP1 (RAB3 GTPase activating protein catalytic subunit 1; plus strand). Cytogenetic location: 2q21.3.
Variant type: Deletion.
Coding change: c.2491-10del on transcript NM_012233.3 (MANE Select); 10 bases into the intron before coding-DNA position 2491, one base deleted (C; older notation c.2491-10delC).
Molecular consequence: intron variant.
Genome position (GRCh38, 1-based): chr2:135,162,976, C deleted. VCF-style (leftmost placement, unchanged base first): chr2-135162975-TC-T. GRCh37 (hg19) VCF-style: chr2-135920545-TC-T.
Other names: c.2491-10del (NM_001172435.2).
Identifiers: ClinVar variation 506966 (VCV000506966.1), dbSNP rs778684194, ClinGen allele CA1885094.